The following is an entry in ClinVar:

NM_001024630.4(RUNX2):c.239_240insAGCGGCGGCTGCGGCGGC (p.Ala84_Ala89dup)

Genes: RUNX2 (RUNX family transcription factor 2; plus strand), LOC109611589 (runt related transcription factor 2 polyalanine expansion region; plus strand). Cytogenetic location: 6p21.1.
Variant type: Microsatellite.
Coding change: c.239_240insAGCGGCGGCTGCGGCGGC on transcript NM_001024630.4 (MANE Select); coding-DNA positions 239 to 240, AGCGGCGGCTGCGGCGGC inserted.
Protein change: p.Ala84_Ala89dup.
Molecular consequence: inframe insertion.
Genome position: GRCh38 VCF-style: chr6-45422756-G-GGCGGCGGCTGCGGCGGCA. GRCh37 (hg19) VCF-style: chr6-45390493-G-GGCGGCGGCTGCGGCGGCA.
Other names: c.239_240insAGCGGCGGCTGCGGCGGC, p.Ala84_Ala89dup (NM_001015051.4); c.197_198insAGCGGCGGCTGCGGCGGC, p.Ala70_Ala75dup (NM_001278478.2, NM_001369405.1).
Identifiers: ClinVar variation 1360365 (VCV001360365.9), dbSNP rs764306808.

ClinVar aggregate classification (germline): Uncertain significance (1 of 4 stars; one submission).

Submission:

Labcorp Genetics (formerly Invitae), Labcorp
Classification: Uncertain significance. Last evaluated: 2021-06-20. Review status: criteria provided, single submitter. Criteria: Invitae Variant Classification Sherloc (09022015). Collection method: clinical testing. Allele origin: germline.
Comment: This variant has not been reported in the literature in individuals with RUNX2-related conditions. This variant, c.239_240insAGCGGCGGCTGCGGCGGC, results in the insertion of 6 amino acid(s) to the RUNX2 protein (p.Ala84_Ala89dup), but otherwise preserves the integrity of the reading frame. This variant is not present in population databases (ExAC no frequency). Experimental studies and prediction algorithms are not available or were not evaluated, and the functional significance of this variant is currently unknown. In summary, the available evidence is currently insufficient to determine the role of this variant in disease. Therefore, it has been classified as a Variant of Uncertain Significance.